The following is an entry in ClinVar:

NM_001267550.2(TTN):c.91678_91685dup (p.Lys30562fs)

Genes: TTN-AS1 (TTN antisense RNA 1; plus strand), TTN (titin; minus strand). Cytogenetic location: 2q31.2.
Variant type: Duplication.
Coding change: c.91678_91685dup on transcript NM_001267550.2 (MANE Select); coding-DNA positions 91678 to 91685, 8 bases duplicated (TGGTTCAA; older notation c.91678_91685dupTGGTTCAA).
Protein change: p.Lys30562fs; shifts the reading frame from lysine 30562.
Molecular consequence: frameshift variant.
Genome position (GRCh38, 1-based): chr2:178,550,153-178,550,160, TTGAACCA duplicated on the plus strand (TGGTTCAA on the coding strand, the reverse complement: TTN is on the minus strand). VCF-style (leftmost placement, unchanged base first): chr2-178550152-T-TTTGAACCA. GRCh37 (hg19) VCF-style: chr2-179414879-T-TTTGAACCA.
Other names: c.86755_86762dup, p.Lys28921fs (NM_001256850.1); c.64483_64490dup, p.Lys21497fs (NM_003319.4); c.83974_83981dup, p.Lys27994fs (NM_133378.4); c.64858_64865dup, p.Lys21622fs (NM_133432.3); c.65059_65066dup, p.Lys21689fs (NM_133437.4); short protein forms K21497fs, K21622fs, K21689fs, K27994fs, K28921fs, K30562fs.
Identifiers: ClinVar variation 1067705 (VCV001067705.9), dbSNP rs2154148938, ClinGen allele CA2499215314.
Genomic context (GRCh38, chr2:178,550,152, plus strand): 5'-GGTGGATCCAAGTACGTCGGTTATTTCCATATTCATCCTCTTTTCGATTTCCACTCCATC[T>TTTGAACCA]TTGAACCAAGTTACTCGAGGCACTGGTCTTCCTTGTACCAAAGCTTTAATTCTAAGGCTC-3'

ClinVar aggregate classification (germline): Likely pathogenic (1 of 4 stars; one submission).

Conditions:
Dilated cardiomyopathy 1G (CMD1G). Identifiers: Orphanet 154, MedGen C1858763, MONDO:0011400, OMIM 604145.
Autosomal recessive limb-girdle muscular dystrophy type 2J (LGMDR10). Also called: Limb-girdle muscular dystrophy, type 2J; MUSCULAR DYSTROPHY, LIMB-GIRDLE, AUTOSOMAL RECESSIVE 10. Identifiers: Orphanet 140922, MedGen C1837342, MONDO:0012127, OMIM 608807.

Submission:

Labcorp Genetics (formerly Invitae), Labcorp
Classification: Likely pathogenic for Dilated cardiomyopathy 1G; Autosomal recessive limb-girdle muscular dystrophy type 2J. Last evaluated: 2020-12-08. Review status: criteria provided, single submitter. Criteria: Invitae Variant Classification Sherloc (09022015). Collection method: clinical testing. Allele origin: germline.
Comment: In summary, the currently available evidence indicates that the variant is pathogenic, but additional data are needed to prove that conclusively. Therefore, this variant has been classified as Likely Pathogenic. This variant is located in the A band of TTN (PMID: 25589632). Truncating variants in this region are significantly overrepresented in patients affected with dilated cardiomyopathy (PMID: 25589632). Truncating variants in this region have also been reported in individuals affected with autosomal recessive centronuclear myopathy (PMID: 23975875). This variant has not been reported in the literature in individuals with TTN-related conditions. This variant is not present in population databases (ExAC no frequency). This sequence change results in a premature translational stop signal in the TTN gene (p.Lys30562Asnfs*13). While this is not anticipated to result in nonsense mediated decay, it is expected to create a truncated TTN protein.

Literature cited by the submitters: PubMed 25589632; PubMed 23975875.